The following is an entry in ClinVar:

ClinVar aggregate classification (germline): Pathogenic (1 of 4 stars; one submission).

Submission:

Labcorp Genetics (formerly Invitae), Labcorp
Classification: Pathogenic. Last evaluated: 2023-08-10. Review status: criteria provided, single submitter. Criteria: Invitae Variant Classification Sherloc (09022015). Collection method: clinical testing. Allele origin: germline.
Comment: A gross deletion of the genomic region encompassing the full coding sequence of the APRT gene has been identified. Loss-of-function variants in APRT are known to be pathogenic (PMID: 7685481, 20150536, 28717278). The boundaries of this event are unknown as they extend beyond the assayed region for this gene and therefore may encompass additional genes. This variant has not been reported in the literature in individuals affected with APRT-related conditions. For these reasons, this variant has been classified as Pathogenic.

Literature cited by the submitters: PubMed 7685481; PubMed 20150536; PubMed 28717278.

NC_000016.9:g.(?_88870240)_(88878307_?)del

Genes: APRT (adenine phosphoribosyltransferase; minus strand), CDT1 (chromatin licensing and DNA replication factor 1; plus strand). Cytogenetic location: 16q24.3.
Variant type: Deletion.
Identifiers: ClinVar variation 2445490 (VCV002445490.2).